The following is an entry in ClinVar:

ClinVar aggregate classification (germline): Conflicting classifications of pathogenicity. Review status: criteria provided, conflicting classifications (1 of 4 stars). 2 submissions from 2 submitters: Likely pathogenic (1); Uncertain significance (1). Last evaluated 2024-07-01.

Conditions:
Periodontitis, aggressive. Identifiers: MedGen C0031106, MONDO:0980757.
Haim-Munk syndrome (HMS). Also called: COCHIN JEWISH DISORDER; KERATOSIS PALMOPLANTARIS WITH PERIODONTOPATHIA AND ONYCHOGRYPOSIS. Identifiers: Orphanet 2342, MedGen C1855627, MONDO:0009491, OMIM 245010.
Papillon-Lefèvre syndrome (PALS). Also called: KERATOSIS PALMOPLANTARIS WITH PERIODONTOPATHIA; Papillon-Lefevre Disease. Identifiers: Orphanet 678, MedGen C0030360, MONDO:0009490, OMIM 245000.

Allele frequency attached by ClinVar (database versions not stated): TOPMed 0.00001.

Submissions (2):

Centre of Medical Genetics, University Hospital Muenster
Classification: Likely pathogenic. Last evaluated: 2024-07-01. Review status: criteria provided, single submitter. Criteria: ACMG Guidelines, 2015. Collection method: clinical testing. Allele origin: unknown. Affected: yes. Observed: 1 variant allele, 1 heterozygote.
Comment: ACMG categories: PM2,PM3,PP4,PP6

Labcorp Genetics (formerly Invitae), Labcorp
Classification: Uncertain significance for Haim-Munk syndrome; Periodontitis, aggressive; Papillon-Lefèvre syndrome. Last evaluated: 2024-02-19. Review status: criteria provided, single submitter. Criteria: Invitae Variant Classification Sherloc (09022015). Collection method: clinical testing. Allele origin: germline.
Comment: This sequence change replaces tyrosine, which is neutral and polar, with histidine, which is basic and polar, at codon 345 of the CTSC protein (p.Tyr345His). This variant is not present in population databases (gnomAD no frequency). This variant has not been reported in the literature in individuals affected with CTSC-related conditions. ClinVar contains an entry for this variant (Variation ID: 2085948). Advanced modeling of protein sequence and biophysical properties (such as structural, functional, and spatial information, amino acid conservation, physicochemical variation, residue mobility, and thermodynamic stability) performed at Invitae indicates that this missense variant is expected to disrupt CTSC protein function with a positive predictive value of 80%. In summary, the available evidence is currently insufficient to determine the role of this variant in disease. Therefore, it has been classified as a Variant of Uncertain Significance.

NM_001814.6(CTSC):c.1033T>C (p.Tyr345His)

Gene: CTSC (cathepsin C; minus strand). Cytogenetic location: 11q14.2.
Variant type: single nucleotide variant.
Coding change: c.1033T>C on transcript NM_001814.6 (MANE Select); coding-DNA position 1033, T replaced by C.
Protein change: p.Tyr345His; replaces tyrosine 345 with histidine.
Molecular consequence: missense variant.
Genome position (GRCh38, 1-based): chr11:88,294,365, A>G on the plus strand (T>C on the coding strand, the complement: CTSC is on the minus strand). VCF-style: chr11-88294365-A-G. GRCh37 (hg19) VCF-style: chr11-88027533-A-G.
Other names: short protein forms Y345H.
Identifiers: ClinVar variation 2085948 (VCV002085948.5), dbSNP rs1422115423, ClinGen allele CA382022024.
Genomic context (GRCh38, chr11:88,294,365, plus strand): 5'-CCAACTCAAGCTTCATCAGGGCTTCATTGCAGCCTCCATAGAAACCTCCTACATAGTGGT[A>G]CTCAGAGGAGTAATAACGAAAGCAGTCTTCCTTCATTTTGCATGGAGAATCAGTGCCTGT-3'
Protein context (NP_001805.4, residues 335-355): EDCFRYYSSE[Tyr345His]HYVGGFYGGC